The following is an entry in ClinVar:

NM_002519.3(NPAT):c.583G>C (p.Gly195Arg)

Gene: NPAT (nuclear protein, coactivator of histone transcription; minus strand). Cytogenetic location: 11q22.3.
Variant type: single nucleotide variant.
Coding change: c.583G>C on transcript NM_002519.3 (MANE Select); coding-DNA position 583, G replaced by C.
Protein change: p.Gly195Arg; replaces glycine 195 with arginine.
Molecular consequence: missense variant.
Genome position (GRCh38, 1-based): chr11:108,188,153, C>G on the plus strand (G>C on the coding strand, the complement: NPAT is on the minus strand). VCF-style: chr11-108188153-C-G. GRCh37 (hg19) VCF-style: chr11-108058880-C-G.
Other names: c.583G>C, p.Gly195Arg (NM_001321307.1); short protein forms G195R.
Identifiers: ClinVar variation 2453795 (VCV002453795.2), dbSNP rs2078127084, ClinGen allele CA382523256.

ClinVar aggregate classification (germline): Uncertain significance (1 of 4 stars; one submission).

Allele frequency attached by ClinVar (database versions not stated): gnomAD exomes 0.00001.

Submission:

Ambry Genetics
Classification: Uncertain significance. Last evaluated: 2023-02-15. Review status: criteria provided, single submitter. Criteria: Ambry Variant Classification Scheme 2023. Collection method: clinical testing. Allele origin: germline.
Comment: The p.G195R variant (also known as c.583G>C), located in coding exon 7 of the NPAT gene, results from a G to C substitution at nucleotide position 583. The glycine at codon 195 is replaced by arginine, an amino acid with dissimilar properties. This amino acid position is conserved. In addition, this alteration is predicted to be tolerated by in silico analysis. Since supporting evidence is limited at this time, the clinical significance of this alteration remains unclear.